The following is an entry in ClinVar:

NM_032608.7(MYO18B):c.7405C>T (p.Gln2469Ter)

Gene: MYO18B (myosin XVIIIB; plus strand). Cytogenetic location: 22q12.1.
Variant type: single nucleotide variant.
Coding change: c.7405C>T on transcript NM_032608.7 (MANE Select); coding-DNA position 7405, C replaced by T.
Protein change: p.Gln2469Ter; replaces glutamine 2469 with a stop codon.
Molecular consequence: nonsense.
Genome position (GRCh38, 1-based): chr22:26,027,379, C>T. VCF-style: chr22-26027379-C-T. GRCh37 (hg19) VCF-style: chr22-26423345-C-T.
Other names: c.7408C>T, p.Gln2470Ter (NM_001318245.2); short protein forms Q2469*, Q2470*.
Identifiers: ClinVar variation 1897111 (VCV001897111.5), dbSNP rs2518437138, ClinGen allele CA411012368.

ClinVar aggregate classification (germline): Pathogenic (1 of 4 stars; one submission).

Submission:

Labcorp Genetics (formerly Invitae), Labcorp
Classification: Pathogenic. Last evaluated: 2023-08-28. Review status: criteria provided, single submitter. Criteria: Invitae Variant Classification Sherloc (09022015). Collection method: clinical testing. Allele origin: germline.
Comment: This sequence change creates a premature translational stop signal (p.Gln2469*) in the MYO18B gene. It is expected to result in an absent or disrupted protein product. Loss-of-function variants in MYO18B are known to be pathogenic (PMID: 25748484, 32184166, 32637634). This variant is not present in population databases (gnomAD no frequency). This variant has not been reported in the literature in individuals affected with MYO18B-related conditions. ClinVar contains an entry for this variant (Variation ID: 1897111). For these reasons, this variant has been classified as Pathogenic.

Literature cited by the submitters: PubMed 25748484; PubMed 32184166; PubMed 32637634.